The following is an entry in ClinVar:

ClinVar aggregate classification (germline): Benign/Likely benign. Review status: criteria provided, multiple submitters, no conflicts (2 of 4 stars). 4 submissions from 4 submitters: Benign (2); Likely benign (2). Last evaluated 2026-01-19.

Conditions:
Developmental and epileptic encephalopathy, 30 (DEE30). Also called: Epileptic encephalopathy, early infantile, 30. Identifiers: MedGen C4225360, MONDO:0014595, OMIM 616341.
Inborn genetic diseases. Identifiers: MedGen C0950123, MeSH D030342.

Allele frequency attached by ClinVar (database versions not stated): ExAC 0.00012; gnomAD exomes 0.00012; gnomAD 0.00025; ESP Exome Variant Server 0.00038.

Submissions (4):

Labcorp Genetics (formerly Invitae), Labcorp
Classification: Benign for Developmental and epileptic encephalopathy, 30. Last evaluated: 2026-01-19. Review status: criteria provided, single submitter. Criteria: Invitae Variant Classification Sherloc (09022015). Collection method: clinical testing. Allele origin: germline.

Blueprint Genetics
Classification: Likely benign. Last evaluated: 2024-10-03. Review status: criteria provided, single submitter. Criteria: ACMG Guidelines, 2015. Collection method: clinical testing. Allele origin: germline.

CeGaT Center for Human Genetics Tuebingen
Classification: Benign. Last evaluated: 2022-04-01. Review status: criteria provided, single submitter. Criteria: CeGaT Center For Human Genetics Tuebingen Variant Classification Criteria Version 2. Collection method: clinical testing. Allele origin: germline. Affected: yes. Observed: 1 variant allele.
Comment: SIK1: BS1, BS2

Ambry Genetics
Classification: Likely benign for Inborn genetic diseases. Last evaluated: 2016-09-10. Review status: criteria provided, single submitter. Criteria: Ambry Variant Classification Scheme 2023. Collection method: clinical testing. Allele origin: germline.

NM_173354.5(SIK1):c.546G>T (p.Thr182=)

Gene: SIK1 (salt inducible kinase 1; minus strand). Cytogenetic location: 21q22.3.
Variant type: single nucleotide variant.
Coding change: c.546G>T on transcript NM_173354.5 (MANE Select); coding-DNA position 546, G replaced by T.
Protein change: p.Thr182=; no amino-acid change (threonine 182 retained).
Molecular consequence: synonymous variant.
Genome position (GRCh38, 1-based): chr21:43,421,321, C>A on the plus strand (G>T on the coding strand, the complement: SIK1 is on the minus strand). VCF-style: chr21-43421321-C-A. GRCh37 (hg19) VCF-style: chr21-44841201-C-A.
Identifiers: ClinVar variation 588259 (VCV000588259.38), dbSNP rs146068550, ClinGen allele CA321327817.
Genomic context (GRCh38, chr21:43,421,321, plus strand): 5'-GCCTTCATACTCCTTCCCCTCAAAGACTTCCGGGGCGGCATACGGGGGGCTCCCACACCA[C>A]GTGGACAGAGGCTCTCCTGACTTGTAGAAATTCCCAAATCCAAAATCTGAGCGGCAAAGA-3'
Protein context (NP_775490.2, residues 172-192): NFYKSGEPLS[Thr182=]WCGSPPYAAP